The following is an entry in ClinVar:

NM_000038.6(APC):c.350del (p.Ser117fs)

Gene: APC (APC regulator of WNT signaling pathway; plus strand). Cytogenetic location: 5q22.2.
Variant type: Deletion.
Coding change: c.350del on transcript NM_000038.6 (MANE Select); coding-DNA position 350, one base deleted (C; older notation c.350delC).
Protein change: p.Ser117fs; shifts the reading frame from serine 117.
Molecular consequence: frameshift variant. On other transcripts: 5 prime UTR variant (4), non-coding transcript variant (2).
Genome position (GRCh38, 1-based): chr5:112,767,318, C deleted. VCF-style (leftmost placement, unchanged base first): chr5-112767317-TC-T. GRCh37 (hg19) VCF-style: chr5-112103014-TC-T.
Other names: c.350del, p.Ser117fs (NM_001127510.3, NM_001354895.2, NM_001354896.2 and 16 more transcripts); c.380del, p.Ser127fs (NM_001127511.3, NM_001354897.2, NM_001354902.2 and 1 more transcripts); c.275del, p.Ser92fs (NM_001354898.2, NM_001354904.2, NM_001407451.1); c.173del, p.Ser58fs (NM_001354900.2, NM_001354901.2, NM_001354905.2 and 1 more transcripts); c.-686del (NM_001354906.2, NM_001407470.1, NM_001407471.1 and 1 more transcripts); short protein forms S117fs, S127fs, S58fs, S92fs.
Identifiers: ClinVar variation 2682148 (VCV002682148.1), dbSNP rs2532299031, ClinGen allele CA2697546185.

ClinVar aggregate classification (germline): Pathogenic (1 of 4 stars; one submission).

Submission:

Quest Diagnostics Nichols Institute San Juan Capistrano
Classification: Pathogenic. Last evaluated: 2023-07-20. Review status: criteria provided, single submitter. Criteria: Quest Diagnostics criteria. Collection method: clinical testing. Allele origin: unknown.
Comment: The APC c.350del (p.Ser117Tyrfs*8) variant alters the translational reading frame of the APC mRNA and causes the premature termination of APC protein synthesis. This variant has not been reported in individuals with APC-related conditions in the published literature. This variant has not been reported in large, multi-ethnic general populations (Genome Aggregation Database). Based on the available information, this variant is classified as pathogenic.